The following is an entry in ClinVar:

NM_020791.4(TAOK1):c.64G>A (p.Glu22Lys)

Gene: TAOK1 (TAO kinase 1; plus strand). Cytogenetic location: 17q11.2.
Variant type: single nucleotide variant.
Coding change: c.64G>A on transcript NM_020791.4 (MANE Select); coding-DNA position 64, G replaced by A.
Protein change: p.Glu22Lys; replaces glutamic acid 22 with lysine.
Molecular consequence: missense variant.
Genome position (GRCh38, 1-based): chr17:29,451,612, G>A. VCF-style: chr17-29451612-G-A. GRCh37 (hg19) VCF-style: chr17-27778630-G-A.
Other names: c.64G>A, p.Glu22Lys (NM_025142.1); short protein forms E22K.
Identifiers: ClinVar variation 4819551 (VCV004819551.1).

ClinVar aggregate classification (germline): Likely benign (1 of 4 stars; one submission).

Conditions:
Developmental delay with or without intellectual impairment or behavioral abnormalities. Identifiers: MedGen C5562004, MONDO:0859199, OMIM 619575.

Submission:

Centre for Medical Genetics,  Mumbai
Classification: Likely benign for Developmental delay with or without intellectual impairment or behavioral abnormalities. Last evaluated: 2026-03-16. Review status: criteria provided, single submitter. Criteria: ACMG Guidelines, 2015. Collection method: provider interpretation. Allele origin: germline. Inheritance: Autosomal dominant inheritance. Affected: no. Observed: 1 variant allele, 1 heterozygote.
Comment: The variant satisfies PM2 criteria; Extremely low frequency in gnomAD population databases. The variant satisfies PP2 criteria; Missense variant in a gene with low rate of benign missense mutations and for which missense mutation is a common mechanism of a disease. However, the variant satisfies BS2 criteria.

Literature cited by the submitters: PubMed 31230721.